The following is an entry in ClinVar:

ClinVar aggregate classification (germline): Uncertain significance (1 of 4 stars; one submission).

Allele frequency attached by ClinVar (database versions not stated): gnomAD exomes below 0.00001.
gnomAD v4.1: 1 of 1,613,756 alleles (0.000062%); highest among the groups gnomAD compares: Non-Finnish European, 0.000085%; no homozygotes.

Submission:

GeneDx
Classification: Uncertain significance. Last evaluated: 2019-03-11. Review status: criteria provided, single submitter. Criteria: GeneDx Variant Classification Process June 2021. Collection method: clinical testing. Allele origin: germline. Affected: yes.
Comment: Not observed in large population cohorts (Lek et al., 2016; McVean et al., 2012; Exome Variant Server); In silico analysis, which includes protein predictors and evolutionary conservation, supports a deleterious effect; Has not been previously published as pathogenic or benign to our knowledge

NM_172362.3(KCNH1):c.454G>C (p.Ala152Pro)

Gene: KCNH1 (potassium voltage-gated channel subfamily H member 1; minus strand). Cytogenetic location: 1q32.2.
Variant type: single nucleotide variant.
Coding change: c.454G>C on transcript NM_172362.3 (MANE Select); coding-DNA position 454, G replaced by C.
Protein change: p.Ala152Pro; replaces alanine 152 with proline.
Molecular consequence: missense variant.
Genome position (GRCh38, 1-based): chr1:211,082,884, C>G on the plus strand (G>C on the coding strand, the complement: KCNH1 is on the minus strand). VCF-style: chr1-211082884-C-G. GRCh37 (hg19) VCF-style: chr1-211256226-C-G.
Other names: c.454G>C, p.Ala152Pro (NM_002238.4); short protein forms A152P.
Identifiers: ClinVar variation 1307611 (VCV001307611.2), dbSNP rs2102467287, ClinGen allele CA344875145.